The following is an entry in ClinVar:

ClinVar aggregate classification (germline): Uncertain significance (1 of 4 stars; one submission).

Allele frequency attached by ClinVar (database versions not stated): TOPMed below 0.00001.

Submission:

Labcorp Genetics (formerly Invitae), Labcorp
Classification: Uncertain significance. Last evaluated: 2022-04-08. Review status: criteria provided, single submitter. Criteria: Invitae Variant Classification Sherloc (09022015). Collection method: clinical testing. Allele origin: germline.
Comment: This variant has not been reported in the literature in individuals affected with ASAH1-related conditions. In summary, the available evidence is currently insufficient to determine the role of this variant in disease. Therefore, it has been classified as a Variant of Uncertain Significance. Algorithms developed to predict the effect of missense changes on protein structure and function (SIFT, PolyPhen-2, Align-GVGD) all suggest that this variant is likely to be disruptive. This variant is not present in population databases (gnomAD no frequency). This sequence change replaces lysine, which is basic and polar, with threonine, which is neutral and polar, at codon 267 of the ASAH1 protein (p.Lys267Thr).

NM_177924.5(ASAH1):c.800A>C (p.Lys267Thr)

Gene: ASAH1 (N-acylsphingosine amidohydrolase 1; minus strand). Cytogenetic location: 8p22.
Variant type: single nucleotide variant.
Coding change: c.800A>C on transcript NM_177924.5 (MANE Select); coding-DNA position 800, A replaced by C.
Protein change: p.Lys267Thr; replaces lysine 267 with threonine.
Molecular consequence: missense variant.
Genome position (GRCh38, 1-based): chr8:18,059,689, T>G on the plus strand (A>C on the coding strand, the complement: ASAH1 is on the minus strand). VCF-style: chr8-18059689-T-G. GRCh37 (hg19) VCF-style: chr8-17917198-T-G.
Other names: c.782A>C, p.Lys261Thr (NM_001127505.3); c.605A>C, p.Lys202Thr (NM_001363743.2); c.848A>C, p.Lys283Thr (NM_004315.6); short protein forms K202T, K267T, K283T, K261T.
Identifiers: ClinVar variation 2139651 (VCV002139651.4), dbSNP rs1799612819, ClinGen allele CA370428379.